The following is an entry in ClinVar:

NM_182961.4(SYNE1):c.16039G>T (p.Gly5347Trp)

Gene: SYNE1 (spectrin repeat containing nuclear envelope protein 1; minus strand). Cytogenetic location: 6q25.2.
Variant type: single nucleotide variant.
Coding change: c.16039G>T on transcript NM_182961.4 (MANE Select); coding-DNA position 16039, G replaced by T.
Protein change: p.Gly5347Trp; replaces glycine 5347 with tryptophan.
Molecular consequence: missense variant.
Genome position (GRCh38, 1-based): chr6:152,321,765, C>A on the plus strand (G>T on the coding strand, the complement: SYNE1 is on the minus strand). VCF-style: chr6-152321765-C-A. GRCh37 (hg19) VCF-style: chr6-152642900-C-A.
Other names: c.15826G>T, p.Gly5276Trp (NM_033071.5); short protein forms G5276W, G5347W.
Identifiers: ClinVar variation 2942507 (VCV002942507.3), dbSNP rs2095873581, ClinGen allele CA366118600.

ClinVar aggregate classification (germline): Uncertain significance (1 of 4 stars; one submission).

Conditions:
Emery-Dreifuss muscular dystrophy 4, autosomal dominant (EDMD4). Also called: EMERY-DREIFUSS MUSCULAR DYSTROPHY 4 WITH VARIABLE FEATURES. Identifiers: Orphanet 261, MedGen C2751807, MONDO:0013071, OMIM 612998.
Autosomal recessive ataxia, Beauce type. Also called: Spinocerebellar ataxia, autosomal recessive 8; ATAXIA, RECESSIVE, OF BEAUCE; SYNE1-Related Autosomal Recessive Cerebellar Ataxia; SYNE1 Deficiency. Identifiers: Orphanet 88644, MedGen C1853116, MONDO:0012549, OMIM 610743.

Allele frequency attached by ClinVar (database versions not stated): TOPMed below 0.00001.

Submission:

Labcorp Genetics (formerly Invitae), Labcorp
Classification: Uncertain significance for Emery-Dreifuss muscular dystrophy 4, autosomal dominant; Autosomal recessive ataxia, Beauce type. Last evaluated: 2022-12-20. Review status: criteria provided, single submitter. Criteria: Invitae Variant Classification Sherloc (09022015). Collection method: clinical testing. Allele origin: germline.
Comment: In summary, the available evidence is currently insufficient to determine the role of this variant in disease. Therefore, it has been classified as a Variant of Uncertain Significance. Algorithms developed to predict the effect of missense changes on protein structure and function are either unavailable or do not agree on the potential impact of this missense change (SIFT: "Deleterious"; PolyPhen-2: "Possibly Damaging"; Align-GVGD: "Class C0"). This variant has not been reported in the literature in individuals affected with SYNE1-related conditions. This variant is not present in population databases (gnomAD no frequency). This sequence change replaces glycine, which is neutral and non-polar, with tryptophan, which is neutral and slightly polar, at codon 5276 of the SYNE1 protein (p.Gly5276Trp).